The following is an entry in ClinVar:

NM_152268.4(PARS2):c.599G>A (p.Arg200His)

Gene: PARS2 (prolyl-tRNA synthetase 2, mitochondrial; minus strand). Cytogenetic location: 1p32.3.
Variant type: single nucleotide variant.
Coding change: c.599G>A on transcript NM_152268.4 (MANE Select); coding-DNA position 599, G replaced by A.
Protein change: p.Arg200His; replaces arginine 200 with histidine.
Molecular consequence: missense variant.
Genome position (GRCh38, 1-based): chr1:54,758,563, C>T on the plus strand (G>A on the coding strand, the complement: PARS2 is on the minus strand). VCF-style: chr1-54758563-C-T. GRCh37 (hg19) VCF-style: chr1-55224236-C-T.
Other names: c.599G>A (NM_152268.3); short protein forms R200H.
Identifiers: ClinVar variation 1900326 (VCV001900326.5), dbSNP rs1374462271, ClinGen allele CA340463799.

ClinVar aggregate classification (germline): Uncertain significance. Review status: criteria provided, multiple submitters, no conflicts (2 of 4 stars). 2 submissions from 2 submitters: Uncertain significance (2). Last evaluated 2025-12-08.

Conditions:
Inborn genetic diseases. Identifiers: MedGen C0950123, MeSH D030342.

Allele frequency attached by ClinVar (database versions not stated): TOPMed below 0.00001; gnomAD 0.00002.
gnomAD v4.1: 16 of 1,614,086 alleles (0.00099%); highest among the groups gnomAD compares: Non-Finnish European, 0.00085%; no homozygotes.

Submissions (2):

Ambry Genetics
Classification: Uncertain significance for Inborn genetic diseases. Last evaluated: 2025-12-08. Review status: criteria provided, single submitter. Criteria: Ambry Variant Classification Scheme 2023. Collection method: clinical testing. Allele origin: germline.

Labcorp Genetics (formerly Invitae), Labcorp
Classification: Uncertain significance. Last evaluated: 2022-03-25. Review status: criteria provided, single submitter. Criteria: Invitae Variant Classification Sherloc (09022015). Collection method: clinical testing. Allele origin: germline.
Comment: This variant has not been reported in the literature in individuals affected with PARS2-related conditions. This variant is present in population databases (no rsID available, gnomAD 0.03%). This sequence change replaces arginine, which is basic and polar, with histidine, which is basic and polar, at codon 200 of the PARS2 protein (p.Arg200His). In summary, the available evidence is currently insufficient to determine the role of this variant in disease. Therefore, it has been classified as a Variant of Uncertain Significance. Algorithms developed to predict the effect of missense changes on protein structure and function are either unavailable or do not agree on the potential impact of this missense change (SIFT: "Deleterious"; PolyPhen-2: "Probably Damaging"; Align-GVGD: "Class C0").